The following is an entry in ClinVar:

NM_002230.4(JUP):c.2060T>C (p.Ile687Thr)

Gene: JUP (junction plakoglobin; minus strand). Cytogenetic location: 17q21.2.
Variant type: single nucleotide variant.
Coding change: c.2060T>C on transcript NM_002230.4 (MANE Select); coding-DNA position 2060, T replaced by C.
Protein change: p.Ile687Thr; replaces isoleucine 687 with threonine.
Molecular consequence: missense variant.
Genome position (GRCh38, 1-based): chr17:41,756,201, A>G on the plus strand (T>C on the coding strand, the complement: JUP is on the minus strand). VCF-style: chr17-41756201-A-G. GRCh37 (hg19) VCF-style: chr17-39912453-A-G.
Other names: c.2060T>C, p.Ile687Thr (NM_001352773.2, NM_001352774.2, NM_001352775.2 and 3 more transcripts); short protein forms I687T.
Identifiers: ClinVar variation 950739 (VCV000950739.13), dbSNP rs1181838480, ClinGen allele CA399490960.

ClinVar aggregate classification (germline): Uncertain significance. Review status: criteria provided, multiple submitters, no conflicts (2 of 4 stars). 3 submissions from 3 submitters: Uncertain significance (3). Last evaluated 2025-12-09.

Conditions:
Cardiovascular phenotype. Identifiers: MedGen CN230736.
Naxos disease (NXD). Also called: WOOLLY HAIR, PALMOPLANTAR KERATODERMA, AND CARDIAC ABNORMALITIES; KERATOSIS PALMOPLANTARIS WITH ARRHYTHMOGENIC CARDIOMYOPATHY; MAL DE NAXOS; PALMOPLANTAR KERATODERMA WITH ARRHYTHMOGENIC RIGHT VENTRICULAR CARDIOMYOPATHY AND WOOLLY HAIR; CARDIOMYOPATHY, ARRHYTHMOGENIC RIGHT VENTRICULAR, WITH SKIN, HAIR, AND NAIL ABNORMALITIES. Identifiers: Orphanet 34217, MedGen C1832600, MONDO:0011017, OMIM 601214.
Arrhythmogenic right ventricular dysplasia 12. Also called: ARRHYTHMOGENIC RIGHT VENTRICULAR DYSPLASIA, FAMILIAL, 12. Identifiers: MedGen C1969081, MONDO:0012684, OMIM 611528.

Allele frequency attached by ClinVar (database versions not stated): gnomAD exomes below 0.00001 and 0.00001; gnomAD 0.00001; TOPMed 0.00001.

Submissions (3):

Labcorp Genetics (formerly Invitae), Labcorp
Classification: Uncertain significance for Arrhythmogenic right ventricular dysplasia 12; Naxos disease. Last evaluated: 2025-12-09. Review status: criteria provided, single submitter. Criteria: Invitae Variant Classification Sherloc (09022015). Collection method: clinical testing. Allele origin: germline.
Comment: This sequence change replaces isoleucine, which is neutral and non-polar, with threonine, which is neutral and polar, at codon 687 of the JUP protein (p.Ile687Thr). This variant is present in population databases (no rsID available, gnomAD 0.002%). This variant has not been reported in the literature in individuals affected with JUP-related conditions. ClinVar contains an entry for this variant (Variation ID: 950739). An algorithm developed to predict the effect of missense changes on protein structure and function (PolyPhen-2) suggests that this variant is likely to be tolerated. In summary, the available evidence is currently insufficient to determine the role of this variant in disease. Therefore, it has been classified as a Variant of Uncertain Significance.

Ambry Genetics
Classification: Uncertain significance for Cardiovascular phenotype. Last evaluated: 2025-09-25. Review status: criteria provided, single submitter. Criteria: Ambry Variant Classification Scheme 2023. Collection method: clinical testing. Allele origin: germline.
Comment: The p.I687T variant (also known as c.2060T>C), located in coding exon 12 of the JUP gene, results from a T to C substitution at nucleotide position 2060. The isoleucine at codon 687 is replaced by threonine, an amino acid with similar properties. This amino acid position is conserved. In addition, the in silico prediction for this alteration is inconclusive. Since supporting evidence is limited at this time, the clinical significance of this alteration remains unclear.

Fulgent Genetics
Classification: Uncertain significance for Naxos disease; Arrhythmogenic right ventricular dysplasia 12. Last evaluated: 2021-08-19. Review status: criteria provided, single submitter. Criteria: ACMG Guidelines, 2015. Collection method: clinical testing. Allele origin: unknown.